The following is an entry in ClinVar:

ClinVar aggregate classification (germline): Uncertain significance. Review status: criteria provided, multiple submitters, no conflicts (2 of 4 stars). 2 submissions from 2 submitters: Uncertain significance (2). Last evaluated 2023-12-01.

Submissions (2):

CeGaT Center for Human Genetics Tuebingen
Classification: Uncertain significance. Last evaluated: 2023-12-01. Review status: criteria provided, single submitter. Criteria: CeGaT Center For Human Genetics Tuebingen Variant Classification Criteria Version 2. Collection method: clinical testing. Allele origin: germline. Affected: yes. Observed: 1 variant allele.
Comment: FBP1: PM2, PP3

Blueprint Genetics
Classification: Uncertain significance. Last evaluated: 2017-12-11. Review status: criteria provided, single submitter. Criteria: ACMG Guidelines, 2015. Collection method: clinical testing. Allele origin: germline.

NM_000507.4(FBP1):c.223G>A (p.Asp75Asn)

Gene: FBP1 (fructose-bisphosphatase 1; minus strand). Cytogenetic location: 9q22.32.
Variant type: single nucleotide variant.
Coding change: c.223G>A on transcript NM_000507.4 (MANE Select); coding-DNA position 223, G replaced by A.
Protein change: p.Asp75Asn; replaces aspartic acid 75 with asparagine.
Molecular consequence: missense variant.
Genome position (GRCh38, 1-based): chr9:94,620,439, C>T on the plus strand (G>A on the coding strand, the complement: FBP1 is on the minus strand). VCF-style: chr9-94620439-C-T. GRCh37 (hg19) VCF-style: chr9-97382721-C-T.
Other names: c.223G>A, p.Asp75Asn (NM_001127628.2); short protein forms D75N.
Identifiers: ClinVar variation 3026723 (VCV003026723.23), dbSNP rs1438214045, ClinGen allele CA374108711.